The following is an entry in ClinVar:

ClinVar aggregate classification (germline): Pathogenic. Review status: reviewed by expert panel (3 of 4 stars). 12 submissions from 12 submitters: Pathogenic (1). 11 of the submissions do not count toward it. Last evaluated 2021-12-30.

Conditions:
Monogenic diabetes. Identifiers: Orphanet 183625, MedGen C3888631, MONDO:0015967.
HNF1A-related disorders.
HNF1A-related disorder. Also called: HNF1A-related condition.
Maturity-onset diabetes of the young (MODY). Also called: Maturity onset diabetes mellitus in young. Identifiers: Orphanet 552, MedGen C0342276, MONDO:0018911, HP:0004904.
Maturity-onset diabetes of the young type 3. Also called: MODY, type III; MODY type 3. Identifiers: Orphanet 552, MedGen C1838100, MeSH C563933, MONDO:0010894, OMIM 600496. Disease mechanism: loss of function.
Diabetes mellitus type 1 (T1D). Also called: Diabetes Mellitus, Juvenile-Onset; Type I diabetes mellitus. Identifiers: MedGen C0011854, MONDO:0005147, OMIM 222100, HP:0100651.
Nonpapillary renal cell carcinoma. Identifiers: Orphanet 422526, MedGen CN074294, MONDO:0007763, OMIM 144700.
Type 1 diabetes mellitus 20 (T1D20). Also called: Diabetes mellitus, insulin-dependent, 20. Identifiers: MedGen C2675866, MONDO:0012919, OMIM 612520.
Type 2 diabetes mellitus. Also called: Type II diabetes mellitus. Identifiers: MedGen C0011860, MeSH D003924, MONDO:0005148, OMIM 125853, HP:0005978.
Hepatic adenomas, familial. Also called: HEPATIC ADENOMA, SOMATIC; LIVER CELL ADENOMAS, FAMILIAL. Identifiers: MedGen C1840646, MONDO:0007718, OMIM 142330.

gnomAD v4.1: 5 of 1,613,962 alleles (0.00031%); highest among the groups gnomAD compares: Admixed American, 0.0033%; no homozygotes.

Submissions (12):

ClinGen Monogenic Diabetes Variant Curation Expert Panel
Classification: Pathogenic for Monogenic diabetes. Last evaluated: 2021-12-30. Review status: reviewed by expert panel. Criteria: ClinGen Diabetes ACMG Specifications v1 1. Collection method: curation. Allele origin: germline. Inheritance: Autosomal dominant inheritance.
Comment: The c.685C>T variant in the HNF1 homeobox A gene, HNF1A, results in a premature termination at codon 229 (p.(Arg229Ter)) of NM_000545.8. This variant, located in biologically-relevant exon 3 of 10, is predicted to lead to nonsense mediated decay in a gene in which loss-of-function is an established disease mechanism (PVS1; PMID: 23348805). This variant is absent from gnomAD v2.1.1 (PM2_Supporting). Additionally, this variant was identified in at least 34 unrelated individuals with non- autoimmune and non-absolute/near-absolute insulin-deficient diabetes (PS4; PMIDs: 29666556, 23517481, 25411618, internal lab contributors). This variant segregated with diabetes, with at least 13 informative meioses in multiple families with MODY (PP1_Strong; internal lab contributors). In summary, c.685C>T meets the criteria to be classified as pathogenic for monogenic diabetes. ACMG/AMP criteria applied, as specified by the ClinGen MDEP (specification version 1.1, approved 6/4/2021): PVS1, PM2_Supporting, PS4, PP1_Strong

GeneDx
Classification: Pathogenic. Last evaluated: 2026-10-11. Review status: criteria provided, single submitter. Criteria: GeneDx Variant Classification Process June 2021. Collection method: clinical testing. Allele origin: germline. Not counted in ClinVar's aggregate classification.
Comment: Nonsense variant predicted to result in protein truncation or nonsense mediated decay in a gene for which loss of function is a known mechanism of disease; Not observed at significant frequency in large population cohorts (gnomAD); This variant is associated with the following publications: (PMID: 25525159, 40473624, 25411618, 36257325, 9032114, 28862987, 29666556, 29182332, 28012402, 34161864, 30455330, 34789499, 14598263, 36208030, 36504295, 34108472, 39361122)

PreventionGenetics, part of Exact Sciences
Classification: Pathogenic for HNF1A-related condition. Last evaluated: 2026-08-25. Review status: criteria provided, single submitter. Criteria: ACMG Guidelines, 2015. Collection method: clinical testing. Allele origin: germline. Not counted in ClinVar's aggregate classification.
Comment: The HNF1A c.685C>T variant is predicted to result in premature protein termination (p.Arg229*). This variant has been reported to be causative for MODY, type III (Kaisaki et al 1997. PubMed ID: 9032114; Ohki et al. 2014. PubMed ID: 25411618; Globa E et al 2017. PubMed ID: 28862987; Pavić T et al 2018. PubMed ID: 29666556; Supplementary Data 5, Goodrich JK et al 2021. PubMed ID: 34108472; Patouni K et al 2021. PubMed ID: 34161864). This variant is reported in 0.0029% of alleles in individuals of Latino descent in gnomAD. Nonsense variants in HNF1A are expected to be pathogenic. This variant is interpreted as pathogenic.

CeGaT Center for Human Genetics Tuebingen
Classification: Pathogenic. Last evaluated: 2024-10-01. Review status: criteria provided, single submitter. Criteria: CeGaT Center For Human Genetics Tuebingen Variant Classification Criteria Version 2. Collection method: clinical testing. Allele origin: germline. Affected: yes. Observed: 2 variant alleles. Not counted in ClinVar's aggregate classification.
Comment: HNF1A: PVS1, PS4:Moderate, PM2:Supporting

Labcorp Genetics (formerly Invitae), Labcorp
Classification: Pathogenic. Last evaluated: 2024-09-21. Review status: criteria provided, single submitter. Criteria: Invitae Variant Classification Sherloc (09022015). Collection method: clinical testing. Allele origin: germline. Not counted in ClinVar's aggregate classification.
Comment: This sequence change creates a premature translational stop signal (p.Arg229*) in the HNF1A gene. It is expected to result in an absent or disrupted protein product. Loss-of-function variants in HNF1A are known to be pathogenic (PMID: 15928245, 18003757). This variant is present in population databases (rs769086289, gnomAD 0.003%). This premature translational stop signal has been observed in individual(s) with maturity-onset diabetes of the young (PMID: 9032114, 29666556). It has also been observed to segregate with disease in related individuals. ClinVar contains an entry for this variant (Variation ID: 420064). For these reasons, this variant has been classified as Pathogenic.

Women's Health and Genetics/Laboratory Corporation of America, LabCorp
Classification: Pathogenic for Maturity-onset diabetes of the young. Last evaluated: 2023-08-08. Review status: criteria provided, single submitter. Criteria: LabCorp Variant Classification Summary - May 2015. Collection method: clinical testing. Allele origin: germline. Not counted in ClinVar's aggregate classification.
Comment: Variant summary: HNF1A c.685C>T (p.Arg229X) results in a premature termination codon, predicted to cause an absence of the protein due to nonsense mediated decay, which is a commonly known mechanism for disease. The variant allele was found at a frequency of 8e-06 in 251144 control chromosomes. c.685C>T has been reported in the literature in individuals affected with Maturity Onset Diabetes Of The Young 3 (example, Furuzawa_2008). These data indicate that the variant is likely to be associated with disease. The following publications have been ascertained in the context of this evaluation (PMID: 9032114, 10078571, 10333057, 16602010, 14598263, 12355088, 17407387, 18672310). Eight submitters including the ClinGen Monogenic Diabetes Variant Curation Expert Panel have cited clinical-significance assessments for this variant to ClinVar after 2014. All submitters classified the variant as pathogenic. Based on the evidence outlined above, the variant was classified as pathogenic.

Ambry Genetics
Classification: Pathogenic for Maturity-onset diabetes of the young. Last evaluated: 2023-05-05. Review status: criteria provided, single submitter. Criteria: Ambry Variant Classification Scheme 2023. Collection method: clinical testing. Allele origin: germline. Not counted in ClinVar's aggregate classification.
Comment: The p.R229* pathogenic mutation (also known as c.685C>T), located in coding exon 3 of the HNF1A gene, results from a C to T substitution at nucleotide position 685. This changes the amino acid from an arginine to a stop codon within coding exon 3. This mutation has been reported in several individuals and families with maturity-onset diabetes of the young (Kaisaki PJ et al. Diabetes, 1997 Mar;46:528-35; Ohki T et al. J Diabetes Investig, 2014 Sep;5:513-6; Goodrich JK et al. Nat Commun, 2021 Jun;12:3505; Mirshahi UL et al. Am J Hum Genet, 2022 Nov;109:2018-2028). Other families have presented with no evidence of glucose dysfunction, but with only hepatocellular adenomas (Barbier L et al. J Hepatol, 2019 Dec;71:1184-1192; Bacq Y et al. Gastroenterology, 2003 Nov;125:1470-5). In one family, the proband presented with diabetes and the mother had multiple liver adenomas without diabetes (Globa E et al. J Pediatr Endocrinol Metab, 2017 Oct;30:1095-1103). In addition to the clinical data presented in the literature, this alteration is expected to result in loss of function by premature protein truncation or nonsense-mediated mRNA decay. As such, this alteration is interpreted as a disease-causing mutation.

Athena Diagnostics
Classification: Pathogenic. Last evaluated: 2023-04-18. Review status: criteria provided, single submitter. Criteria: Athena Diagnostics Criteria. Collection method: clinical testing. Allele origin: unknown. Not counted in ClinVar's aggregate classification.
Comment: This variant is expected to result in the loss of a functional protein. The frequency of this variant in the general population is consistent with pathogenicity. This variant associates with disease in multiple families.

Geisinger Clinic, Geisinger Health System
Classification: Pathogenic for Maturity-onset diabetes of the young type 3. Last evaluated: 2022-08-02. Review status: criteria provided, single submitter. Criteria: ACMG Guidelines, 2015. Collection method: research. Allele origin: germline. Inheritance: Autosomal dominant inheritance. Affected: yes. Observed: 1 variant allele. Not counted in ClinVar's aggregate classification.
Comment: PVS1, PM2, PS4, PP1_Strong, PP4

Blueprint Genetics
Classification: Pathogenic for HNF1A-related disorders. Last evaluated: 2022-07-14. Review status: criteria provided, single submitter. Criteria: ACMG Guidelines, 2015. Collection method: clinical testing. Allele origin: germline. Affected: yes. Observed: 2 variant alleles. Not counted in ClinVar's aggregate classification.

Fulgent Genetics
Classification: Pathogenic for Type 2 diabetes mellitus; Hepatic adenomas, familial; Nonpapillary renal cell carcinoma; Diabetes mellitus type 1; Maturity-onset diabetes of the young type 3; Type 1 diabetes mellitus 20. Last evaluated: 2022-03-01. Review status: criteria provided, single submitter. Criteria: ACMG Guidelines, 2015. Collection method: clinical testing. Allele origin: unknown. Not counted in ClinVar's aggregate classification.

Genetic Services Laboratory, University of Chicago
Classification: Pathogenic. Last evaluated: 2022-09-29. Review status: no assertion criteria provided. Collection method: clinical testing. Allele origin: germline. Affected: yes. Not counted in ClinVar's aggregate classification.
Comment: DNA sequence analysis of the HNF1A gene demonstrated a sequence change, c.685C>T, which results in the creation of a premature stop codon at amino acid position 229, . p.Arg229*. This sequence change is predicted to result in an abnormal transcript, which may be degraded, or may lead to the production of a truncated HNF1A protein with potentially abnormal function. This sequence change has been described in the gnomAD database in two individuals which corresponds to a population frequency of 0.00080% (dbSNP rs769086289). This sequence change has previously been described in multiple individuals with HNF1A-related diabetes (PMID: 29666556, 23517481, 25411618, 28862987, 9032114). Based on these evidences, this sequence change is classified as pathogenic.

Literature cited by the submitters: PubMed 15928245 (cited by Labcorp Genetics (formerly Invitae), Labcorp); PubMed 18003757 (cited by Labcorp Genetics (formerly Invitae), Labcorp); PubMed 9032114 (cited by 4 submitters); PubMed 29666556 (cited by Labcorp Genetics (formerly Invitae), Labcorp and Athena Diagnostics); PubMed 10078571 (cited by Women's Health and Genetics/Laboratory Corporation of America, LabCorp and Athena Diagnostics); PubMed 10333057 (cited by Women's Health and Genetics/Laboratory Corporation of America, LabCorp); PubMed 16602010 (cited by Women's Health and Genetics/Laboratory Corporation of America, LabCorp and Athena Diagnostics); PubMed 14598263 (cited by Women's Health and Genetics/Laboratory Corporation of America, LabCorp and Ambry Genetics); PubMed 12355088 (cited by Women's Health and Genetics/Laboratory Corporation of America, LabCorp and Athena Diagnostics); PubMed 17407387 (cited by Women's Health and Genetics/Laboratory Corporation of America, LabCorp); PubMed 18672310 (cited by Women's Health and Genetics/Laboratory Corporation of America, LabCorp and Athena Diagnostics); PubMed 25411618 (cited by Ambry Genetics); PubMed 28862987 (cited by Ambry Genetics and Athena Diagnostics); PubMed 31419515 (cited by Ambry Genetics); PubMed 34108472 (cited by Ambry Genetics and Athena Diagnostics); PubMed 35846334 (cited by Ambry Genetics); PubMed 36257325 (cited by 3 submitters); PubMed 36208030 (cited by Athena Diagnostics); PubMed 34161864 (cited by Athena Diagnostics).

NM_000545.8(HNF1A):c.685C>T (p.Arg229Ter)

Gene: HNF1A (HNF1 homeobox A; plus strand). Cytogenetic location: 12q24.31.
Variant type: single nucleotide variant.
Coding change: c.685C>T on transcript NM_000545.8 (MANE Select); coding-DNA position 685, C replaced by T.
Protein change: p.Arg229Ter; replaces arginine 229 with a stop codon.
Molecular consequence: nonsense.
Genome position (GRCh38, 1-based): chr12:120,993,678, C>T. VCF-style: chr12-120993678-C-T. GRCh37 (hg19) VCF-style: chr12-121431481-C-T.
Other names: NM_000545.6(HNF1A):c.685C>T; p.Arg229Ter; c.685C>T, p.Arg229Ter (NM_001306179.2); short protein forms R229*.
Identifiers: ClinVar variation 420064 (VCV000420064.62), dbSNP rs769086289, ClinGen allele CA6831796.